The following is an entry in ClinVar:

ClinVar aggregate classification (germline): Uncertain significance. Review status: criteria provided, multiple submitters, no conflicts (2 of 4 stars). 2 submissions from 2 submitters: Uncertain significance (2). Last evaluated 2022-08-14.

Conditions:
Mitochondrial DNA depletion syndrome 13. Also called: FBXL4-Related Encephalomyopathic Mitochondrial DNA Depletion Syndrome; Mitochondrial DNA depletion syndrome 13 (encephalomyopathic type). Identifiers: Orphanet 369897, MedGen C3809592, MONDO:0014198, OMIM 615471.

Allele frequency attached by ClinVar (database versions not stated): gnomAD exomes below 0.00001 and 0.00001; gnomAD 0.00001; TOPMed 0.00001; ExAC 0.00002.
gnomAD v4.1: 9 of 1,613,770 alleles (0.00056%); highest among the groups gnomAD compares: East Asian, 0.0067%; no homozygotes.

Submissions (2):

Labcorp Genetics (formerly Invitae), Labcorp
Classification: Uncertain significance. Last evaluated: 2022-08-14. Review status: criteria provided, single submitter. Criteria: Invitae Variant Classification Sherloc (09022015). Collection method: clinical testing. Allele origin: germline.
Comment: This sequence change replaces histidine, which is basic and polar, with tyrosine, which is neutral and polar, at codon 386 of the FBXL4 protein (p.His386Tyr). This variant is present in population databases (rs751643380, gnomAD 0.01%). This variant has not been reported in the literature in individuals affected with FBXL4-related conditions. ClinVar contains an entry for this variant (Variation ID: 437705). Advanced modeling of protein sequence and biophysical properties (such as structural, functional, and spatial information, amino acid conservation, physicochemical variation, residue mobility, and thermodynamic stability) performed at Invitae indicates that this missense variant is expected to disrupt FBXL4 protein function. In summary, the available evidence is currently insufficient to determine the role of this variant in disease. Therefore, it has been classified as a Variant of Uncertain Significance.

Wong Mito Lab, Molecular and Human Genetics, Baylor College of Medicine
Classification: Uncertain significance for Mitochondrial DNA depletion syndrome 13. Last evaluated: 2017-08-10. Review status: criteria provided, single submitter. Criteria: ACMG Guidelines, 2015. Collection method: reference population. Allele origin: germline.
Comment: The NM_012160.4:c.1156C>T (NP_036292.2:p.His386Tyr) [GRCH38: NC_000006.12:g.98899429G>A] variant in FBXL4 gene is interpretated to be a Uncertain Significance - Insufficient Evidence based on ACMG guidelines (PMID: 25741868). This variant meets one or more of the following evidence codes reported in the ACMG-guideline. PM2:This variant is absent in key population databases. PP3:Computational evidence/predictors indicate the variant has deleterious effect on FBXL4 structure, function, or protein-protein interaction. Based on this evidence code ClinGen Pathogenicity Calculator (PMID:28081714) suggested that the variant is Uncertain Significance - Insufficient Evidence.

NM_001278716.2(FBXL4):c.1156C>T (p.His386Tyr)

Gene: FBXL4 (F-box and leucine rich repeat protein 4; minus strand). Cytogenetic location: 6q16.1.
Variant type: single nucleotide variant.
Coding change: c.1156C>T on transcript NM_001278716.2 (MANE Select); coding-DNA position 1156, C replaced by T.
Protein change: p.His386Tyr; replaces histidine 386 with tyrosine.
Molecular consequence: missense variant. On other transcripts: non-coding transcript variant (2).
Genome position (GRCh38, 1-based): chr6:98,899,429, G>A on the plus strand (C>T on the coding strand, the complement: FBXL4 is on the minus strand). VCF-style: chr6-98899429-G-A. GRCh37 (hg19) VCF-style: chr6-99347305-G-A.
Other names: c.1156C>T, p.His386Tyr (NM_012160.5); short protein forms H386Y.
Identifiers: ClinVar variation 437705 (VCV000437705.3), dbSNP rs751643380, ClinGen allele CA3933511.